The following is an entry in ClinVar:

ClinVar aggregate classification (germline): Pathogenic/Likely pathogenic. Review status: criteria provided, multiple submitters, no conflicts (2 of 4 stars). 5 submissions from 4 submitters: Pathogenic (4); Likely pathogenic (1). Last evaluated 2025-12-19.

Conditions:
Retinitis pigmentosa 12 (RP12). Also called: RP WITH OR WITHOUT PPRPE; RP WITH OR WITHOUT PRESERVED PARAARTERIOLE RETINAL PIGMENT EPITHELIUM; RETINITIS PIGMENTOSA WITH OR WITHOUT PARAARTERIOLAR PRESERVATION OF RETINAL PIGMENT EPITHELIUM. Identifiers: Orphanet 791, MedGen C1838647, MONDO:0010818, OMIM 600105.
Leber congenital amaurosis 8 (LCA8). Identifiers: Orphanet 65, MedGen C3151202, MONDO:0013453, OMIM 613835.
Leber congenital amaurosis (LCA). Also called: Leber's amaurosis. Identifiers: Orphanet 65, MedGen C0339527, MeSH D057130, MONDO:0018998.

Allele frequency attached by ClinVar (database versions not stated): gnomAD 0.00001.

Submissions (5):

Natera, Inc.
Classification: Likely pathogenic for Leber congenital amaurosis. Last evaluated: 2025-12-19. Review status: criteria provided, single submitter. Criteria: Natera Variant Classification Schema (03/2026). Collection method: clinical testing. Allele origin: germline.
Comment: The c.1149dupT variant in CRB1 is a frameshift variant predicted to shift the reading frame beginning at codon 384 and leads to a stop codon 17 codons downstream. This variant is expected to result in nonsense mediated decay, truncation, or a dysfunctional protein product. This variant is rare in the general population with a frequency below the threshold expected for the associated phenotype(s). Given the available evidence, this variant is classified as Likely Pathogenic.

Genome-Nilou Lab
Classification: Pathogenic for Leber congenital amaurosis 8. Last evaluated: 2023-04-11. Review status: criteria provided, single submitter. Criteria: ACMG Guidelines, 2015. Collection method: clinical testing. Allele origin: germline. Affected: no.

Genome-Nilou Lab
Classification: Pathogenic for Retinitis pigmentosa 12. Last evaluated: 2023-04-11. Review status: criteria provided, single submitter. Criteria: ACMG Guidelines, 2015. Collection method: clinical testing. Allele origin: germline. Affected: no.

Labcorp Genetics (formerly Invitae), Labcorp
Classification: Pathogenic for Leber congenital amaurosis 8; Retinitis pigmentosa 12. Last evaluated: 2020-05-10. Review status: criteria provided, single submitter. Criteria: Invitae Variant Classification Sherloc (09022015). Collection method: clinical testing. Allele origin: germline.
Comment: For these reasons, this variant has been classified as Pathogenic. Loss-of-function variants in CRB1 are known to be pathogenic (PMID: 10508521, 22065545, 23379534, 25412400, 26957898, 28041643, 29391521). This variant has not been reported in the literature in individuals with CRB1-related conditions. This variant is not present in population databases (ExAC no frequency). This sequence change creates a premature translational stop signal (p.Ile384Tyrfs*17) in the CRB1 gene. It is expected to result in an absent or disrupted protein product.

CeGaT Center for Human Genetics Tuebingen
Classification: Pathogenic. Last evaluated: 2019-09-01. Review status: criteria provided, single submitter. Criteria: CeGaT Center For Human Genetics Tuebingen Variant Classification Criteria Version 2. Collection method: clinical testing. Allele origin: germline. Affected: yes. Observed: 1 variant allele.

Literature cited by the submitters: PubMed 10508521 (cited by Labcorp Genetics (formerly Invitae), Labcorp); PubMed 22065545 (cited by Labcorp Genetics (formerly Invitae), Labcorp); PubMed 23379534 (cited by Labcorp Genetics (formerly Invitae), Labcorp); PubMed 25412400 (cited by Labcorp Genetics (formerly Invitae), Labcorp); PubMed 26957898 (cited by Labcorp Genetics (formerly Invitae), Labcorp); PubMed 28041643 (cited by Labcorp Genetics (formerly Invitae), Labcorp); PubMed 29391521 (cited by Labcorp Genetics (formerly Invitae), Labcorp).

NM_201253.3(CRB1):c.1149dup (p.Ile384fs)

Gene: CRB1 (crumbs cell polarity complex component 1; plus strand). Cytogenetic location: 1q31.3.
Variant type: Duplication.
Coding change: c.1149dup on transcript NM_201253.3 (MANE Select); coding-DNA position 1149, one base duplicated (T; older notation c.1149dupT).
Protein change: p.Ile384fs; shifts the reading frame from isoleucine 384.
Molecular consequence: frameshift variant. On other transcripts: non-coding transcript variant (2).
Genome position (GRCh38, 1-based): chr1:197,356,991, T duplicated. VCF-style (leftmost placement, unchanged base first): chr1-197356990-G-GT. GRCh37 (hg19) VCF-style: chr1-197326120-G-GT.
Other names: c.813dup, p.Ile272fs (NM_001193640.2); c.942dup, p.Ile315fs (NM_001257965.2); c.1149dup, p.Ile384fs (NM_001257966.2); c.1149dupT (NM_201253.2); short protein forms I315fs, I272fs, I384fs.
Identifiers: ClinVar variation 872032 (VCV000872032.48), dbSNP rs1660517678, ClinGen allele CA1010926409.
Genomic context (GRCh38, chr1:197,356,990, plus strand): 5'-ATGGACGCATCACTGGACTGCCTTCTTCTTTCAGCTACCATGAAGCCTCAGGTTATGTCT[G>GT]TATCTGTCAGCCTGGATTCACAGGTGAGGCCAAGGAGATGGGATATGACTTGACTTTCTG-3'